The following is an entry in ClinVar:

ClinVar aggregate classification (germline): Benign. Review status: reviewed by expert panel (3 of 4 stars). 5 submissions from 5 submitters: Benign (1). 4 of the submissions do not count toward it. Last evaluated 2025-08-01.

Conditions:
RPGR-related retinopathy. Also called: RPGR retinopathy. Identifiers: MedGen CN305589, MONDO:0100437.
Primary ciliary dyskinesia. Also called: Ciliary dyskinesia. Identifiers: Orphanet 244, MedGen C0008780, MONDO:0016575, HP:0012265.

Allele frequency attached by ClinVar (database versions not stated): ESP Exome Variant Server 0.00009; gnomAD 0.00010; TOPMed 0.00012; gnomAD exomes 0.00015; ExAC 0.00019.
gnomAD v4.1: 185 of 1,209,504 alleles (0.015%); highest among the groups gnomAD compares: African/African-American, 0.0088%; no homozygotes.

Submissions (6):

ClinGen X-linked Inherited Retinal Disease Variant Curation Expert Panel, ClinGen
Classification: Benign for RPGR-related retinopathy. Last evaluated: 2025-08-01. Review status: reviewed by expert panel. Criteria: ClinGen X LinkedIRD ACMG Specifications RPGR V1.0.0. Collection method: curation. Allele origin: germline. Inheritance: X-linked inheritance.
Comment: NM_001034853.2(RPGR):c.1163C>T (p.Ala388Val) is a missense variant that replaces alanine with valine at amino acid 388. This variant is present in gnomAD v4.1.0 at a frequency of 0.0001435 among hemizygous individuals, with 57 variant alleles / 397,112 total hemizygous alleles, which is higher than the ClinGen X-linked IRD VCEP BA1 threshold of >0.00005 (BA1). The computational predictor REVEL gives a score of 0.049, which is below the ClinGen X-linked IRD VCEP threshold of < 0.183 and predicts a non-damaging effect on RPGR function. However, the splicing impact predictor SpliceAI gives a delta score of 0.11 for donor loss, which falls in the intermediate range above the ClinGen X-linked IRD VCEP recommended BP4 threshold of <0.1 but below the PP3 threshold of >0.2, so neither in silico code was met. In summary, this variant is classified as benign for RPGR-related retinopathy based on the ClinGen X-linked Inherited Retinal Disease Expert Panel Specifications to the ACMG/AMP Variant Interpretation Guidelines for RPGR Version 1.0.0; BA1. (date of approval 05/16/2025).

Labcorp Genetics (formerly Invitae), Labcorp
Classification: Benign for Primary ciliary dyskinesia. Last evaluated: 2026-01-07. Review status: criteria provided, single submitter. Criteria: Invitae Variant Classification Sherloc (09022015). Collection method: clinical testing. Allele origin: germline. Not counted in ClinVar's aggregate classification.

Blueprint Genetics
Classification: Likely benign. Last evaluated: 2024-11-28. Review status: criteria provided, single submitter. Criteria: ACMG Guidelines, 2015. Collection method: clinical testing. Allele origin: germline. Not counted in ClinVar's aggregate classification.

PreventionGenetics, part of Exact Sciences
Classification: Benign. Last evaluated: 2020-03-11. Review status: criteria provided, single submitter. Criteria: ACMG Guidelines, 2015. Collection method: clinical testing. Allele origin: germline. Not counted in ClinVar's aggregate classification.

Ambry Genetics
Classification: Likely benign for Primary ciliary dyskinesia. Last evaluated: 2018-12-22. Review status: criteria provided, single submitter. Criteria: Ambry Variant Classification Scheme 2023. Collection method: clinical testing. Allele origin: germline. Not counted in ClinVar's aggregate classification.

Dr. Peter K. Rogan Lab, Western University
No classification provided (evidence only). Condition: Thyroid cancer, nonmedullary, 1. Review status: no classification provided. Collection method: in vitro. Allele origin: not applicable. Functional consequence: retained intron. Not counted in ClinVar's aggregate classification.

NM_001034853.2(RPGR):c.1163C>T (p.Ala388Val)

Gene: RPGR (retinitis pigmentosa GTPase regulator; minus strand). Cytogenetic location: Xp11.4.
Variant type: single nucleotide variant.
Coding change: c.1163C>T on transcript NM_001034853.2 (MANE Select); coding-DNA position 1163, C replaced by T.
Protein change: p.Ala388Val; replaces alanine 388 with valine.
Molecular consequence: missense variant. On other transcripts: non-coding transcript variant (6), intron variant (2).
Genome position (GRCh38, 1-based): chrX:38,299,038, G>A on the plus strand (C>T on the coding strand, the complement: RPGR is on the minus strand). VCF-style: chrX-38299038-G-A. GRCh37 (hg19) VCF-style: chrX-38158291-G-A.
Other names: NM_001034853.2(RPGR):c.1163C>T; p.Ala388Val; c.1163C>T (NM_001034853.1); c.1163C>T, p.Ala388Val (NM_000328.3, NM_001367247.1); c.1160C>T, p.Ala387Val (NM_001367245.1, NM_001367249.1, NM_001367250.1); c.1193C>T, p.Ala398Val (NM_001367248.1); c.1060-1586C>T (NM_001367251.1, NM_001367246.1); short protein forms A387V, A388V, A398V.
Identifiers: ClinVar variation 1168907 (VCV001168907.16), dbSNP rs199661899, ClinGen allele CA10385528.